The following is an entry in ClinVar:

NM_000214.3(JAG1):c.1395+3A>G

Gene: JAG1 (jagged canonical Notch ligand 1; minus strand). Cytogenetic location: 20p12.2.
Variant type: single nucleotide variant.
Coding change: c.1395+3A>G on transcript NM_000214.3 (MANE Select); 3 bases into the intron after coding-DNA position 1395, A replaced by G.
Molecular consequence: intron variant.
Genome position (GRCh38, 1-based): chr20:10,649,058, T>C on the plus strand (A>G on the coding strand, the complement: JAG1 is on the minus strand). VCF-style: chr20-10649058-T-C. GRCh37 (hg19) VCF-style: chr20-10629706-T-C.
Other names: c.1395+3A>G (LRG_1191t1).
Identifiers: ClinVar variation 289599 (VCV000289599.14), dbSNP rs886044220, ClinGen allele CA10606495.

ClinVar aggregate classification (germline): Pathogenic. Review status: criteria provided, multiple submitters, no conflicts (2 of 4 stars). 5 submissions from 5 submitters: Pathogenic (4). 1 of the submissions does not count toward it. Last evaluated 2025-08-02.

Conditions:
Tetralogy of Fallot (TOF). Identifiers: Orphanet 3303, MedGen C0039685, MONDO:0008542, OMIM 187500, HP:0001636.
Alagille syndrome due to a JAG1 point mutation. Also called: HEPATIC DUCTULAR HYPOPLASIA, SYNDROMATIC; Alagille Syndrome 1; JAG1-Related Alagille Syndrome. Identifiers: Orphanet 261619, Orphanet 52, MedGen C1956125, MONDO:0016862, OMIM 118450.

Submissions (5):

Labcorp Genetics (formerly Invitae), Labcorp
Classification: Pathogenic for Alagille syndrome due to a JAG1 point mutation. Last evaluated: 2025-08-02. Review status: criteria provided, single submitter. Criteria: Invitae Variant Classification Sherloc (09022015). Collection method: clinical testing. Allele origin: germline.
Comment: This sequence change falls in intron 11 of the JAG1 gene. It does not directly change the encoded amino acid sequence of the JAG1 protein. RNA analysis indicates that this variant induces altered splicing and may result in an absent or altered protein product. This variant is not present in population databases (gnomAD no frequency). This variant has been observed in individual(s) with Alagille syndrome (PMID: 10220506, 11058898, 24748328). In at least one individual the variant was observed to be de novo. It has also been observed to segregate with disease in related individuals. This variant is also known as c.1808+3A>G. ClinVar contains an entry for this variant (Variation ID: 289599). Variants that disrupt the consensus splice site are a relatively common cause of aberrant splicing (PMID: 17576681, 9536098). Studies have shown that this variant results in aberrant splicing of exon 11, and produces a non-functional protein and/or introduces a premature termination codon (PMID: 11058898). For these reasons, this variant has been classified as Pathogenic.

GeneDx
Classification: Pathogenic. Last evaluated: 2025-05-02. Review status: criteria provided, single submitter. Criteria: GeneDx Variant Classification Process June 2021. Collection method: clinical testing. Allele origin: germline. Affected: yes.
Comment: RNA studies demonstrate a damaging effect: skipping of the adjacent exon resulting in protein truncation (PMID: 11058898); Not observed at significant frequency in large population cohorts (gnomAD); This variant is associated with the following publications: (PMID: 10533065, 24748328, 11058898, 10220506, 34185059, 36447191, 38057357, 39244638)

Equipe Genetique des Anomalies du Developpement, Université de Bourgogne
Classification: Pathogenic for Tetralogy of Fallot. Last evaluated: 2023-11-02. Review status: criteria provided, single submitter. Criteria: ACMG Guidelines, 2015. Collection method: clinical testing. Allele origin: maternal. Affected: yes.

Eurofins Ntd Llc (ga)
Classification: Pathogenic. Last evaluated: 2016-07-18. Review status: criteria provided, single submitter. Criteria: EGL Classification Definitions 2015. Collection method: clinical testing. Allele origin: germline. Observed: 2 variant alleles, 2 heterozygotes.

Genomics And Bioinformatics Analysis Resource, Columbia University
Classification: Likely pathogenic for Alagille syndrome due to a JAG1 point mutation. Review status: no assertion criteria provided. Collection method: research. Allele origin: unknown. Affected: yes. Not counted in ClinVar's aggregate classification.

Literature cited by the submitters: PubMed 10220506 (cited by Labcorp Genetics (formerly Invitae), Labcorp and Eurofins Ntd Llc (ga)); PubMed 11058898 (cited by Labcorp Genetics (formerly Invitae), Labcorp and Eurofins Ntd Llc (ga)); PubMed 24748328 (cited by Labcorp Genetics (formerly Invitae), Labcorp and Eurofins Ntd Llc (ga)); PubMed 17576681 (cited by Labcorp Genetics (formerly Invitae), Labcorp); PubMed 9536098 (cited by Labcorp Genetics (formerly Invitae), Labcorp); PubMed 10533065 (cited by Eurofins Ntd Llc (ga)).